The following is an entry in ClinVar:

NM_001267550.2(TTN):c.33886A>G (p.Lys11296Glu)

Gene: TTN (titin; minus strand). Cytogenetic location: 2q31.2.
Variant type: single nucleotide variant.
Coding change: c.33886A>G on transcript NM_001267550.2 (MANE Select); coding-DNA position 33886, A replaced by G.
Protein change: p.Lys11296Glu; replaces lysine 11296 with glutamic acid.
Molecular consequence: missense variant. On other transcripts: intron variant (3).
Genome position (GRCh38, 1-based): chr2:178,678,438, T>C on the plus strand (A>G on the coding strand, the complement: TTN is on the minus strand). VCF-style: chr2-178678438-T-C. GRCh37 (hg19) VCF-style: chr2-179543165-T-C.
Other names: c.32935A>G, p.Lys10979Glu (NM_001256850.1); c.30154A>G, p.Lys10052Glu (NM_133378.4); c.13283-36121A>G (NM_003319.4); c.13859-36121A>G (NM_133437.4); c.13658-36121A>G (NM_133432.3); short protein forms K10052E, K10979E, K11296E.
Identifiers: ClinVar variation 3600697 (VCV003600697.1).

ClinVar aggregate classification (germline): Uncertain significance (1 of 4 stars; one submission).

Submission:

GeneDx
Classification: Uncertain significance. Last evaluated: 2024-07-24. Review status: criteria provided, single submitter. Criteria: GeneDx Variant Classification Process June 2021. Collection method: clinical testing. Allele origin: germline. Affected: yes.
Comment: Not observed at significant frequency in large population cohorts (gnomAD); Missense variant in a gene in which most reported pathogenic variants are truncating/loss of function; Has not been previously published as pathogenic or benign to our knowledge